The following is an entry in ClinVar:

NM_004656.4(BAP1):c.1983+4G>A

Gene: BAP1 (BRCA1 associated deubiquitinase 1; minus strand). Cytogenetic location: 3p21.1.
Variant type: single nucleotide variant.
Coding change: c.1983+4G>A on transcript NM_004656.4 (MANE Select); 4 bases into the intron after coding-DNA position 1983, G replaced by A.
Molecular consequence: intron variant.
Genome position (GRCh38, 1-based): chr3:52,402,775, C>T on the plus strand (G>A on the coding strand, the complement: BAP1 is on the minus strand). VCF-style: chr3-52402775-C-T. GRCh37 (hg19) VCF-style: chr3-52436791-C-T.
Identifiers: ClinVar variation 1332479 (VCV001332479.9), dbSNP rs2153226279, ClinGen allele CA2573052219.

ClinVar aggregate classification (germline): Conflicting classifications of pathogenicity. Review status: criteria provided, conflicting classifications (1 of 4 stars). 3 submissions from 3 submitters: Uncertain significance (2); Likely benign (1). Last evaluated 2023-12-19.

Conditions:
BAP1-related tumor predisposition syndrome (TPDS1). Also called: Tumor susceptibility linked to germline BAP1 mutations; BAP1 tumor predisposition syndrome; COMMON Syndrome; TUMOR PREDISPOSITION SYNDROME 1. Identifiers: Orphanet 289539, MedGen C3280492, MONDO:0013692, OMIM 614327.
Hereditary cancer-predisposing syndrome. Also called: Tumor predisposition; Hereditary Cancer Syndrome; Neoplastic Syndromes, Hereditary; Hereditary neoplastic syndrome. Identifiers: Orphanet 140162, MedGen C0027672, MeSH D009386, MONDO:0015356.

Submissions (3):

Myriad Genetics, Inc.
Classification: Likely benign for BAP1-related tumor predisposition syndrome. Last evaluated: 2023-12-19. Review status: criteria provided, single submitter. Criteria: Myriad Autosomal Dominant, Autosomal Recessive and X-Linked Classification Criteria (2023). Collection method: clinical testing. Allele origin: unknown.
Comment: This variant is considered likely benign. This variant is intronic and is not expected to impact mRNA splicing.

Labcorp Genetics (formerly Invitae), Labcorp
Classification: Uncertain significance for BAP1-related tumor predisposition syndrome. Last evaluated: 2022-01-26. Review status: criteria provided, single submitter. Criteria: Invitae Variant Classification Sherloc (09022015). Collection method: clinical testing. Allele origin: germline.
Comment: In summary, the available evidence is currently insufficient to determine the role of this variant in disease. Therefore, it has been classified as a Variant of Uncertain Significance. Variants that disrupt the consensus splice site are a relatively common cause of aberrant splicing (PMID: 17576681, 9536098). Algorithms developed to predict the effect of sequence changes on RNA splicing suggest that this variant is not likely to affect RNA splicing. ClinVar contains an entry for this variant (Variation ID: 1332479). This variant has not been reported in the literature in individuals affected with BAP1-related conditions. This variant is not present in population databases (gnomAD no frequency). This sequence change falls in intron 15 of the BAP1 gene. It does not directly change the encoded amino acid sequence of the BAP1 protein. It affects a nucleotide within the consensus splice site.

Color Diagnostics, LLC DBA Color Health
Classification: Uncertain significance for Hereditary cancer-predisposing syndrome. Last evaluated: 2021-06-28. Review status: criteria provided, single submitter. Criteria: ACMG Guidelines, 2015. Collection method: clinical testing. Allele origin: germline.
Comment: This variant causes a G to A nucleotide substitution at the +4 position of intron 15 of the BAP1 gene. To our knowledge, RNA analysis studies have not been reported for this variant. This variant has not been reported in individuals affected with hereditary cancer in the literature. This variant has not been identified in the general population by the Genome Aggregation Database (gnomAD). The available evidence is insufficient to determine the role of this variant in disease conclusively. Therefore, this variant is classified as a Variant of Uncertain Significance.

Literature cited by the submitters: PubMed 17576681 (cited by Labcorp Genetics (formerly Invitae), Labcorp); PubMed 9536098 (cited by Labcorp Genetics (formerly Invitae), Labcorp).